The following is an entry in ClinVar:

ClinVar aggregate classification (germline): Uncertain significance (1 of 4 stars; one submission).

Submission:

Dasa
Classification: Uncertain significance. Last evaluated: 2025-07-26. Review status: criteria provided, single submitter. Criteria: DASA Assertion Criteria. Collection method: clinical testing. Allele origin: germline.
Comment: NM_032271.3(TRAF7):c.1309G>C (p.Gly437Arg) is a missense variant that results in the substitution of glycine with arginine. This variant is absent from population databases. Computational prediction algorithms are consistent with a deleterious effect. The currently available literature and clinical evidence are not sufficient to establish a definitive association between this variant and the reported condition. Therefore, this variant is classified as a variant of uncertain significance.

NM_032271.3(TRAF7):c.1309G>C (p.Gly437Arg)

Gene: TRAF7 (TNF receptor associated factor 7; plus strand). Cytogenetic location: 16p13.3.
Variant type: single nucleotide variant.
Coding change: c.1309G>C on transcript NM_032271.3 (MANE Select); coding-DNA position 1309, G replaced by C.
Protein change: p.Gly437Arg; replaces glycine 437 with arginine.
Molecular consequence: missense variant.
Genome position (GRCh38, 1-based): chr16:2,174,296, G>C. VCF-style: chr16-2174296-G-C. GRCh37 (hg19) VCF-style: chr16-2224297-G-C.
Other names: short protein forms G437R.
Identifiers: ClinVar variation 4885943 (VCV004885943.2).
Genomic context (GRCh38, chr16:2,174,296, plus strand): 5'-CCCTGGTCTCTGCAGGTGTGGGACACATGTACCACCTACAAGTGTCAGAAGACACTGGAG[G>C]GCCATGATGGCATCGTGCTGGCTCTCTGCATCCAGGGGTGAGTCCAGGCACATGTGTGAT-3'
Protein context (NP_115647.2, residues 427-447): TTYKCQKTLE[Gly437Arg]HDGIVLALCI